The following is an entry in ClinVar:

ClinVar aggregate classification (germline): Uncertain significance. Review status: criteria provided, multiple submitters, no conflicts (2 of 4 stars). 2 submissions from 2 submitters: Uncertain significance (2). Last evaluated 2025-11-13.

Conditions:
Autosomal recessive limb-girdle muscular dystrophy type 2W (MDRCMTT). Also called: Muscular dystrophy, autosomal recessive, with cardiomyopathy and triangular tongue; Muscular dystrophy, limb-girdle, type 2W. Identifiers: MedGen C4225192, MONDO:0014788, OMIM 616827.

Allele frequency attached by ClinVar (database versions not stated): gnomAD exomes below 0.00001.
gnomAD v4.1: 3 of 1,613,810 alleles (0.00019%); highest among the groups gnomAD compares: African/African-American, 0.0013%; no homozygotes.

Submissions (2):

Ambry Genetics
Classification: Uncertain significance. Last evaluated: 2025-11-13. Review status: criteria provided, single submitter. Criteria: Ambry Variant Classification Scheme 2023. Collection method: clinical testing. Allele origin: germline.

Labcorp Genetics (formerly Invitae), Labcorp
Classification: Uncertain significance for Autosomal recessive limb-girdle muscular dystrophy type 2W. Last evaluated: 2025-10-02. Review status: criteria provided, single submitter. Criteria: Invitae Variant Classification Sherloc (09022015). Collection method: clinical testing. Allele origin: germline.
Comment: This sequence change replaces aspartic acid, which is acidic and polar, with asparagine, which is neutral and polar, at codon 322 of the LIMS2 protein (p.Asp322Asn). This variant is not present in population databases (gnomAD no frequency). This variant has not been reported in the literature in individuals affected with LIMS2-related conditions. ClinVar contains an entry for this variant (Variation ID: 2799261). Invitae Evidence Modeling of protein sequence and biophysical properties (such as structural, functional, and spatial information, amino acid conservation, physicochemical variation, residue mobility, and thermodynamic stability) indicates that this missense variant is expected to disrupt LIMS2 protein function with a positive predictive value of 80%. In summary, the available evidence is currently insufficient to determine the role of this variant in disease. Therefore, it has been classified as a Variant of Uncertain Significance.

NM_001161403.3(LIMS2):c.898G>A (p.Asp300Asn)

Gene: LIMS2 (LIM zinc finger domain containing 2; minus strand). Cytogenetic location: 2q14.3.
Variant type: single nucleotide variant.
Coding change: c.898G>A on transcript NM_001161403.3 (MANE Select); coding-DNA position 898, G replaced by A.
Protein change: p.Asp300Asn; replaces aspartic acid 300 with asparagine.
Molecular consequence: missense variant.
Genome position (GRCh38, 1-based): chr2:127,639,409, C>T on the plus strand (G>A on the coding strand, the complement: LIMS2 is on the minus strand). VCF-style: chr2-127639409-C-T. GRCh37 (hg19) VCF-style: chr2-128396984-C-T.
Other names: c.970G>A (NM_017980.4); c.964G>A, p.Asp322Asn (NM_001136037.4); c.883G>A, p.Asp295Asn (NM_001161404.2); c.442G>A, p.Asp148Asn (NM_001161405.1, NM_001256542.2); c.970G>A, p.Asp324Asn (NM_017980.5); short protein forms D148N, D295N, D300N, D324N, D322N.
Identifiers: ClinVar variation 2799261 (VCV002799261.4), dbSNP rs1169262058, ClinGen allele CA348424021.